The following is an entry in ClinVar:

NM_004706.4(ARHGEF1):c.1386dup (p.Ser463fs)

Gene: ARHGEF1 (Rho guanine nucleotide exchange factor 1; plus strand). Cytogenetic location: 19q13.2.
Variant type: Duplication.
Coding change: c.1386dup on transcript NM_004706.4 (MANE Select); coding-DNA position 1386, one base duplicated (C; older notation c.1386dupC).
Protein change: p.Ser463fs; shifts the reading frame from serine 463.
Molecular consequence: frameshift variant.
Genome position (GRCh38, 1-based): chr19:41,902,005, C duplicated; the last of 4 consecutive C bases (chr19:41,902,002-41,902,005); duplicating any one gives the same sequence. VCF-style (leftmost placement, unchanged base first): chr19-41902001-T-TC. GRCh37 (hg19) VCF-style: chr19-42406151-T-TC.
Other names: c.1287dup, p.Ser430fs (NM_198977.2); c.1431dup, p.Ser478fs (NM_199002.2); short protein forms S463fs, S430fs, S478fs.
Identifiers: ClinVar variation 1391012 (VCV001391012.6), dbSNP rs2145847535, ClinGen allele CA2573156397.

ClinVar aggregate classification (germline): Uncertain significance (1 of 4 stars; one submission).

Submission:

Labcorp Genetics (formerly Invitae), Labcorp
Classification: Uncertain significance. Last evaluated: 2022-08-15. Review status: criteria provided, single submitter. Criteria: Invitae Variant Classification Sherloc (09022015). Collection method: clinical testing. Allele origin: germline.
Comment: In summary, the available evidence is currently insufficient to determine the role of this variant in disease. Therefore, it has been classified as a Variant of Uncertain Significance. ClinVar contains an entry for this variant (Variation ID: 1391012). This variant has not been reported in the literature in individuals affected with ARHGEF1-related conditions. This variant is not present in population databases (gnomAD no frequency). This sequence change creates a premature translational stop signal (p.Ser478Glnfs*39) in the ARHGEF1 gene. It is expected to result in an absent or disrupted protein product. However, the current clinical and genetic evidence is not sufficient to establish whether loss-of-function variants in ARHGEF1 cause disease.